The following is an entry in ClinVar:

NM_002224.4(ITPR3):c.5411T>C (p.Val1804Ala)

Gene: ITPR3 (inositol 1,4,5-trisphosphate receptor type 3; plus strand). Cytogenetic location: 6p21.31.
Variant type: single nucleotide variant.
Coding change: c.5411T>C on transcript NM_002224.4 (MANE Select); coding-DNA position 5411, T replaced by C.
Protein change: p.Val1804Ala; replaces valine 1804 with alanine.
Molecular consequence: missense variant.
Genome position (GRCh38, 1-based): chr6:33,685,462, T>C. VCF-style: chr6-33685462-T-C. GRCh37 (hg19) VCF-style: chr6-33653239-T-C.
Other names: short protein forms V1804A.
Identifiers: ClinVar variation 2753917 (VCV002753917.3), dbSNP rs2533142321, ClinGen allele CA363708424.

ClinVar aggregate classification (germline): Uncertain significance (1 of 4 stars; one submission).

gnomAD v4.1: 1 of 1,613,942 alleles (0.000062%); no homozygotes.

Submission:

Labcorp Genetics (formerly Invitae), Labcorp
Classification: Uncertain significance. Last evaluated: 2023-08-20. Review status: criteria provided, single submitter. Criteria: Invitae Variant Classification Sherloc (09022015). Collection method: clinical testing. Allele origin: germline.
Comment: In summary, the available evidence is currently insufficient to determine the role of this variant in disease. Therefore, it has been classified as a Variant of Uncertain Significance. Advanced modeling of protein sequence and biophysical properties (such as structural, functional, and spatial information, amino acid conservation, physicochemical variation, residue mobility, and thermodynamic stability) performed at Invitae indicates that this missense variant is not expected to disrupt ITPR3 protein function. This variant has not been reported in the literature in individuals affected with ITPR3-related conditions. This variant is not present in population databases (gnomAD no frequency). This sequence change replaces valine, which is neutral and non-polar, with alanine, which is neutral and non-polar, at codon 1804 of the ITPR3 protein (p.Val1804Ala).